The following is an entry in ClinVar:

ClinVar aggregate classification (germline): Conflicting classifications of pathogenicity. Review status: criteria provided, conflicting classifications (1 of 4 stars). 2 submissions from 2 submitters: Likely pathogenic (1); Uncertain significance (1). Last evaluated 2025-09-08.

Conditions:
Alport syndrome 3b, autosomal recessive. Identifiers: MedGen C5882699, MONDO:0957811, OMIM 620536.

Submissions (2):

Clinical Genetics Laboratory, Skane University Hospital Lund
Classification: Likely pathogenic for Alport syndrome 3b, autosomal recessive. Last evaluated: 2025-09-08. Review status: criteria provided, single submitter. Criteria: ACMG Guidelines, 2015. Collection method: clinical testing. Allele origin: germline. Inheritance: Autosomal recessive inheritance. Affected: yes.
Comment: COL4A3 c.441+5G>T p.? represents a nucleotide substitution at cDNA position 441+5 in intron 7 of 51 in COL4A3 (NM_000091.5), at a position that is highly conserved. In silico algorithms indicate a high likelihood of impact on the splice donor site in intron 7 of COL4A3 (SpliceAI: 0.95 and Pangolin: 0.98) (PP3), and an absolute majority of all splice variants in COL4A3 in ClinVar are classified as pathogenic/likely pathogenic. The variant has not previously been observed in the general population (gnomAD v4.1.0) (PM2) and has not previously been reported in ClinVar. Locally, the variant has been detected in a family with a phenotype consistent with autosomal inherited Alport syndrome, where the variant segregates with disease across four meioses. ACMG criteria used: PM2, PP1_strong, PP3

Blueprint Genetics
Classification: Uncertain significance. Last evaluated: 2022-09-29. Review status: criteria provided, single submitter. Criteria: ACMG Guidelines, 2015. Collection method: clinical testing. Allele origin: germline.

NM_000091.5(COL4A3):c.441+5G>T

Genes: COL4A3 (collagen type IV alpha 3 chain; plus strand), MFF-DT (MFF divergent transcript; minus strand). Cytogenetic location: 2q36.3.
Variant type: single nucleotide variant.
Coding change: c.441+5G>T on transcript NM_000091.5 (MANE Select); 5 bases into the intron after coding-DNA position 441, G replaced by T.
Molecular consequence: intron variant.
Genome position (GRCh38, 1-based): chr2:227,246,743, G>T. VCF-style: chr2-227246743-G-T. GRCh37 (hg19) VCF-style: chr2-228111459-G-T.
Identifiers: ClinVar variation 3337946 (VCV003337946.3).